The following is an entry in ClinVar:

ClinVar aggregate classification (germline): Uncertain significance (1 of 4 stars; one submission).

gnomAD v4.1: 1 of 1,607,554 alleles (0.000062%); highest among the groups gnomAD compares: Non-Finnish European, 0.000085%; no homozygotes.

Submission:

Labcorp Genetics (formerly Invitae), Labcorp
Classification: Uncertain significance. Last evaluated: 2024-02-23. Review status: criteria provided, single submitter. Criteria: Invitae Variant Classification Sherloc (09022015). Collection method: clinical testing. Allele origin: germline.
Comment: This sequence change replaces isoleucine, which is neutral and non-polar, with valine, which is neutral and non-polar, at codon 726 of the FGFR3 protein (p.Ile726Val). This variant is not present in population databases (gnomAD no frequency). This variant has not been reported in the literature in individuals affected with FGFR3-related conditions. Advanced modeling of protein sequence and biophysical properties (such as structural, functional, and spatial information, amino acid conservation, physicochemical variation, residue mobility, and thermodynamic stability) performed at Invitae indicates that this missense variant is not expected to disrupt FGFR3 protein function with a negative predictive value of 95%. In summary, the available evidence is currently insufficient to determine the role of this variant in disease. Therefore, it has been classified as a Variant of Uncertain Significance.

NM_000142.5(FGFR3):c.2176A>G (p.Ile726Val)

Gene: FGFR3 (fibroblast growth factor receptor 3; plus strand). Cytogenetic location: 4p16.3.
Variant type: single nucleotide variant.
Coding change: c.2176A>G on transcript NM_000142.5 (MANE Select); coding-DNA position 2176, A replaced by G.
Protein change: p.Ile726Val; replaces isoleucine 726 with valine.
Molecular consequence: missense variant. On other transcripts: non-coding transcript variant (1).
Genome position (GRCh38, 1-based): chr4:1,806,836, A>G. VCF-style: chr4-1806836-A-G. GRCh37 (hg19) VCF-style: chr4-1808563-A-G.
Other names: c.2182A>G, p.Ile728Val (NM_001163213.2); c.2179A>G, p.Ile727Val (NM_001354809.2); c.2108A>G, p.Asp703Gly (NM_001354810.2); c.1840A>G, p.Ile614Val (NM_022965.4); short protein forms I726V, I728V, D703G, I614V, I727V.
Identifiers: ClinVar variation 3636996 (VCV003636996.2).
Genomic context (GRCh38, chr4:1,806,836, plus strand): 5'-TCCCGAATAAGGCGGGAAGCGGCGGGGCTCACTCCTGAGCGCCCTGCCCGCAGGTACATG[A>G]TCATGCGGGAGTGCTGGCATGCCGCGCCCTCCCAGAGGCCCACCTTCAAGCAGCTGGTGG-3'
Protein context (NP_000133.1, residues 716-736): PANCTHDLYM[Ile726Val]MRECWHAAPS